The following is an entry in ClinVar:

ClinVar aggregate classification (germline): Uncertain significance. Review status: criteria provided, multiple submitters, no conflicts (2 of 4 stars). 4 submissions from 4 submitters: Uncertain significance (4). Last evaluated 2025-09-09.

Conditions:
Bardet-Biedl syndrome (BBS). Identifiers: Orphanet 110, MedGen C0752166, MONDO:0015229.
Bardet-Biedl syndrome 8 (BBS8). Identifiers: Orphanet 110, MedGen C1859566, MONDO:0014436, OMIM 615985.
Retinitis pigmentosa 51 (RP51). Identifiers: Orphanet 791, MedGen C3150715, MONDO:0013274, OMIM 613464.
TTC8-related disorder. Also called: TTC8-related condition.

Allele frequency attached by ClinVar (database versions not stated): gnomAD 0.00005 and 0.00006; TOPMed 0.00008.

Submissions (4):

PreventionGenetics, part of Exact Sciences
Classification: Uncertain significance for TTC8-related condition. Last evaluated: 2025-09-09. Review status: criteria provided, single submitter. Criteria: ACMG Guidelines, 2015. Collection method: clinical testing. Allele origin: germline.
Comment: The TTC8 c.1078G>A variant is predicted to result in the amino acid substitution p.Gly360Ser. This variant is reported in 0.023% of alleles in individuals of Latino descent in gnomAD. At this time, the clinical significance of this variant is uncertain due to the absence of conclusive functional and genetic evidence.

Fulgent Genetics
Classification: Uncertain significance for Retinitis pigmentosa 51; Bardet-Biedl syndrome 8. Last evaluated: 2024-02-05. Review status: criteria provided, single submitter. Criteria: ACMG Guidelines, 2015. Collection method: clinical testing. Allele origin: germline.

Labcorp Genetics (formerly Invitae), Labcorp
Classification: Uncertain significance for Bardet-Biedl syndrome. Last evaluated: 2022-09-01. Review status: criteria provided, single submitter. Criteria: Invitae Variant Classification Sherloc (09022015). Collection method: clinical testing. Allele origin: germline.
Comment: This sequence change replaces glycine, which is neutral and non-polar, with serine, which is neutral and polar, at codon 350 of the TTC8 protein (p.Gly350Ser). This variant is present in population databases (rs771231605, gnomAD 0.03%). This variant has not been reported in the literature in individuals affected with TTC8-related conditions. ClinVar contains an entry for this variant (Variation ID: 1007641). Algorithms developed to predict the effect of missense changes on protein structure and function (SIFT, PolyPhen-2, Align-GVGD) all suggest that this variant is likely to be tolerated. Algorithms developed to predict the effect of sequence changes on RNA splicing suggest that this variant may create or strengthen a splice site. In summary, the available evidence is currently insufficient to determine the role of this variant in disease. Therefore, it has been classified as a Variant of Uncertain Significance.

Blueprint Genetics
Classification: Uncertain significance. Last evaluated: 2022-04-03. Review status: criteria provided, single submitter. Criteria: ACMG Guidelines, 2015. Collection method: clinical testing. Allele origin: germline.

NM_144596.4(TTC8):c.1078G>A (p.Gly360Ser)

Gene: TTC8 (tetratricopeptide repeat domain 8; plus strand). Cytogenetic location: 14q31.3.
Variant type: single nucleotide variant.
Coding change: c.1078G>A on transcript NM_144596.4 (MANE Select); coding-DNA position 1078, G replaced by A.
Protein change: p.Gly360Ser; replaces glycine 360 with serine.
Molecular consequence: missense variant. On other transcripts: non-coding transcript variant (1).
Genome position (GRCh38, 1-based): chr14:88,871,577, G>A. VCF-style: chr14-88871577-G-A. GRCh37 (hg19) VCF-style: chr14-89337921-G-A.
Other names: c.1126G>A, p.Gly376Ser (NM_001288781.1); c.484G>A, p.Gly162Ser (NM_001288782.1); c.361G>A, p.Gly121Ser (NM_001288783.1); c.1048G>A, p.Gly350Ser (NM_001366535.2, NM_198309.3); c.1078G>A (NM_144596.3); c.958G>A, p.Gly320Ser (NM_001366536.2, NM_198310.3); short protein forms G121S, G162S, G320S, G350S, G360S, G376S.
Identifiers: ClinVar variation 1007641 (VCV001007641.9), dbSNP rs771231605, ClinGen allele CA7302670.